The following is an entry in ClinVar:

NM_007294.4(BRCA1):c.803A>G (p.Asn268Ser)

Gene: BRCA1 (BRCA1 DNA repair associated; minus strand). Cytogenetic location: 17q21.31.
Variant type: single nucleotide variant.
Coding change: c.803A>G on transcript NM_007294.4 (MANE Select); coding-DNA position 803, A replaced by G.
Protein change: p.Asn268Ser; replaces asparagine 268 with serine.
Molecular consequence: missense variant. On other transcripts: 5 prime UTR variant (2), intron variant (137).
Genome position (GRCh38, 1-based): chr17:43,094,728, T>C on the plus strand (A>G on the coding strand, the complement: BRCA1 is on the minus strand). VCF-style: chr17-43094728-T-C. GRCh37 (hg19) VCF-style: chr17-41246745-T-C.
Other names: c.590A>G, p.Asn197Ser (NM_001407571.1, NM_001407853.1, NM_001407894.1 and 9 more transcripts); c.803A>G, p.Asn268Ser (NM_001407581.1, NM_001407582.1, NM_001407583.1 and 30 more transcripts); c.800A>G, p.Asn267Ser (NM_001407587.1, NM_001407590.1, NM_001407591.1 and 22 more transcripts); c.467A>G, p.Asn156Ser (NM_001407955.1, NM_001407956.1, NM_001407958.1 and 1 more transcripts); c.470A>G, p.Asn157Ser (NM_001407957.1, NM_001407946.1, NM_001407947.1 and 6 more transcripts); c.422A>G, p.Asn141Ser (NM_001407959.1, NM_001407960.1, NM_001407963.1); c.419A>G, p.Asn140Ser (NM_001407962.1); c.659A>G, p.Asn220Ser (NM_001407964.1, NM_001407740.1, NM_001407741.1 and 20 more transcripts); and 40 more; short protein forms N268S, N221S, N200S, N201S, N242S, N157S, N180S, N198S.
Identifiers: ClinVar variation 827411 (VCV000827411.7), dbSNP rs1597879900, ClinGen allele CA10600476.
Genomic context (GRCh38, chr17:43,094,728, plus strand): 5'-CTGTTCTCATGCTGTAATGAGCTGGCATGAGTATTTGTGCCACATGGCTCCACATGCAAG[T>C]TTGAAACAGAACTACCCTGATACTTTTCTGGATGCCTCTCAGCTGCACGCTTCTCAGTGG-3'
Protein context (NP_009225.1, residues 258-278): PEKYQGSSVS[Asn268Ser]LHVEPCGTNT

ClinVar aggregate classification (germline): Conflicting classifications of pathogenicity. Review status: criteria provided, conflicting classifications (1 of 4 stars). 2 submissions from 2 submitters: Uncertain significance (1); Likely benign (1). Last evaluated 2023-03-23.

Conditions:
Hereditary cancer-predisposing syndrome. Also called: Neoplastic Syndromes, Hereditary; Tumor predisposition; Hereditary neoplastic syndrome; Hereditary Cancer Syndrome. Identifiers: Orphanet 140162, MedGen C0027672, MeSH D009386, MONDO:0015356.

Submissions (2):

University of Washington Department of Laboratory Medicine, University of Washington
Classification: Likely benign for Hereditary cancer-predisposing syndrome. Last evaluated: 2023-03-23. Review status: criteria provided, single submitter. Criteria: Dines et al. (Genet Med. 2020). Collection method: curation. Allele origin: germline.
Comment: Missense variant in a coldspot region where missense variants are very unlikely to be pathogenic (PMID:31911673).

BRCA1 coldspot (exon 11 using historical exon numbering). Reclassification based on statistical prior probability

Ambry Genetics
Classification: Uncertain significance for Hereditary cancer-predisposing syndrome. Last evaluated: 2018-09-19. Review status: criteria provided, single submitter. Criteria: Ambry Variant Classification Scheme 2023. Collection method: clinical testing. Allele origin: germline.
Comment: The p.N268S variant (also known as c.803A>G), located in coding exon 9 of the BRCA1 gene, results from an A to G substitution at nucleotide position 803. The asparagine at codon 268 is replaced by serine, an amino acid with highly similar properties. This amino acid position is not well conserved in available vertebrate species. In addition, the in silico prediction for this alteration is inconclusive. Since supporting evidence is limited at this time, the clinical significance of this alteration remains unclear.